The following is an entry in ClinVar:

NM_001261826.3(AP3D1):c.1374G>T (p.Gln458His)

Gene: AP3D1 (adaptor related protein complex 3 subunit delta 1; minus strand). Cytogenetic location: 19p13.3.
Variant type: single nucleotide variant.
Coding change: c.1374G>T on transcript NM_001261826.3 (MANE Select); coding-DNA position 1374, G replaced by T.
Protein change: p.Gln458His; replaces glutamine 458 with histidine.
Molecular consequence: missense variant.
Genome position (GRCh38, 1-based): chr19:2,120,969, C>A on the plus strand (G>T on the coding strand, the complement: AP3D1 is on the minus strand). VCF-style: chr19-2120969-C-A. GRCh37 (hg19) VCF-style: chr19-2120968-C-A.
Other names: c.1374G>T, p.Gln458His (NM_001374799.1, NM_003938.8); short protein forms Q458H.
Identifiers: ClinVar variation 2170108 (VCV002170108.4), dbSNP rs2512172202, ClinGen allele CA403223232.

ClinVar aggregate classification (germline): Uncertain significance (1 of 4 stars; one submission).

Submission:

Labcorp Genetics (formerly Invitae), Labcorp
Classification: Uncertain significance. Last evaluated: 2022-09-07. Review status: criteria provided, single submitter. Criteria: Invitae Variant Classification Sherloc (09022015). Collection method: clinical testing. Allele origin: germline.
Comment: This variant has not been reported in the literature in individuals affected with AP3D1-related conditions. This variant is not present in population databases (gnomAD no frequency). This sequence change replaces glutamine, which is neutral and polar, with histidine, which is basic and polar, at codon 458 of the AP3D1 protein (p.Gln458His). Algorithms developed to predict the effect of missense changes on protein structure and function are either unavailable or do not agree on the potential impact of this missense change (SIFT: "Deleterious"; PolyPhen-2: "Benign"; Align-GVGD: "Class C0"). In summary, the available evidence is currently insufficient to determine the role of this variant in disease. Therefore, it has been classified as a Variant of Uncertain Significance.